The following is an entry in ClinVar:

NM_000081.4(LYST):c.10501A>G (p.Thr3501Ala)

Gene: LYST (lysosomal trafficking regulator; minus strand). Cytogenetic location: 1q42.3.
Variant type: single nucleotide variant.
Coding change: c.10501A>G on transcript NM_000081.4 (MANE Select); coding-DNA position 10501, A replaced by G.
Protein change: p.Thr3501Ala; replaces threonine 3501 with alanine.
Molecular consequence: missense variant.
Genome position (GRCh38, 1-based): chr1:235,697,146, T>C on the plus strand (A>G on the coding strand, the complement: LYST is on the minus strand). VCF-style: chr1-235697146-T-C. GRCh37 (hg19) VCF-style: chr1-235860446-T-C.
Other names: c.10501A>G, p.Thr3501Ala (NM_001301365.1); c.10501A>G (NM_000081.2); short protein forms T3501A.
Identifiers: ClinVar variation 2059830 (VCV002059830.5), dbSNP rs2527284650, ClinGen allele CA344928984.

ClinVar aggregate classification (germline): Uncertain significance. Review status: criteria provided, multiple submitters, no conflicts (2 of 4 stars). 2 submissions from 2 submitters: Uncertain significance (2). Last evaluated 2024-03-22.

Conditions:
Chédiak-Higashi syndrome (CHS). Also called: Chediak-Higashi Syndrome. Identifiers: Orphanet 167, MedGen C0007965, MONDO:0008963, OMIM 214500.

Allele frequency attached by ClinVar (database versions not stated): gnomAD exomes below 0.00001.
gnomAD v4.1: 2 of 1,614,132 alleles (0.00012%); highest among the groups gnomAD compares: Non-Finnish European, 0.00017%; no homozygotes.

Submissions (2):

GeneDx
Classification: Uncertain significance. Last evaluated: 2024-03-22. Review status: criteria provided, single submitter. Criteria: GeneDx Variant Classification Process June 2021. Collection method: clinical testing. Allele origin: germline. Affected: yes.
Comment: Not observed at significant frequency in large population cohorts (gnomAD); In silico analysis supports that this missense variant has a deleterious effect on protein structure/function; Has not been previously published as pathogenic or benign to our knowledge

Labcorp Genetics (formerly Invitae), Labcorp
Classification: Uncertain significance for Chédiak-Higashi syndrome. Last evaluated: 2022-05-27. Review status: criteria provided, single submitter. Criteria: Invitae Variant Classification Sherloc (09022015). Collection method: clinical testing. Allele origin: germline.
Comment: In summary, the available evidence is currently insufficient to determine the role of this variant in disease. Therefore, it has been classified as a Variant of Uncertain Significance. Algorithms developed to predict the effect of missense changes on protein structure and function are either unavailable or do not agree on the potential impact of this missense change (SIFT: "Tolerated"; PolyPhen-2: "Probably Damaging"; Align-GVGD: "Class C0"). This variant has not been reported in the literature in individuals affected with LYST-related conditions. This variant is not present in population databases (gnomAD no frequency). This sequence change replaces threonine, which is neutral and polar, with alanine, which is neutral and non-polar, at codon 3501 of the LYST protein (p.Thr3501Ala).